The following is an entry in ClinVar:

ClinVar aggregate classification (germline): Uncertain significance (1 of 4 stars; one submission).

Allele frequency attached by ClinVar (database versions not stated): ExAC 0.00002; TOPMed 0.00003; gnomAD 0.00005.
gnomAD v4.1: 26 of 1,588,532 alleles (0.0016%); highest among the groups gnomAD compares: South Asian, 0.013%; no homozygotes.

Submission:

Labcorp Genetics (formerly Invitae), Labcorp
Classification: Uncertain significance. Last evaluated: 2023-04-14. Review status: criteria provided, single submitter. Criteria: Invitae Variant Classification Sherloc (09022015). Collection method: clinical testing. Allele origin: germline.
Comment: This variant is present in population databases (rs747032604, gnomAD 0.01%). In summary, the available evidence is currently insufficient to determine the role of this variant in disease. Therefore, it has been classified as a Variant of Uncertain Significance. Algorithms developed to predict the effect of missense changes on protein structure and function output the following: SIFT: "Not Available"; PolyPhen-2: "Benign"; Align-GVGD: "Not Available". The leucine amino acid residue is found in multiple mammalian species, which suggests that this missense change does not adversely affect protein function. ClinVar contains an entry for this variant (Variation ID: 2182172). This variant has not been reported in the literature in individuals affected with DOCK6-related conditions. This sequence change replaces serine, which is neutral and polar, with leucine, which is neutral and non-polar, at codon 169 of the DOCK6 protein (p.Ser169Leu).

NM_020812.4(DOCK6):c.506C>T (p.Ser169Leu)

Gene: DOCK6 (dedicator of cytokinesis 6; minus strand). Cytogenetic location: 19p13.2.
Variant type: single nucleotide variant.
Coding change: c.506C>T on transcript NM_020812.4 (MANE Select); coding-DNA position 506, C replaced by T.
Protein change: p.Ser169Leu; replaces serine 169 with leucine.
Molecular consequence: missense variant.
Genome position (GRCh38, 1-based): chr19:11,252,120, G>A on the plus strand (C>T on the coding strand, the complement: DOCK6 is on the minus strand). VCF-style: chr19-11252120-G-A. GRCh37 (hg19) VCF-style: chr19-11362796-G-A.
Other names: c.506C>T, p.Ser169Leu (NM_001367830.1); short protein forms S169L.
Identifiers: ClinVar variation 2182172 (VCV002182172.2), dbSNP rs747032604, ClinGen allele CA9208471.
Genomic context (GRCh38, chr19:11,252,120, plus strand): 5'-GCTGAGGCCGGAGCCTCCACACATACCCCTTCAGTGACCCCAGCCAGGGGCTTCCTCACC[G>A]AGTCCTCAGGGCCGGACCTCTCGTCTCCAGAAGCATCCTGCTCAAAGACCTGGCGGGGGA-3'
Protein context (NP_065863.2, residues 159-179): SGDERSGPED[Ser169Leu]NDSRRGSGSP